The following is an entry in ClinVar:

NM_019066.5(MAGEL2):c.3191G>A (p.Arg1064His)

Gene: MAGEL2 (MAGE family member L2; minus strand). Cytogenetic location: 15q11.2.
Variant type: single nucleotide variant.
Coding change: c.3191G>A on transcript NM_019066.5 (MANE Select); coding-DNA position 3191, G replaced by A.
Protein change: p.Arg1064His; replaces arginine 1064 with histidine.
Molecular consequence: missense variant.
Genome position (GRCh38, 1-based): chr15:23,644,552, C>T on the plus strand (G>A on the coding strand, the complement: MAGEL2 is on the minus strand). VCF-style: chr15-23644552-C-T. GRCh37 (hg19) VCF-style: chr15-23889699-C-T.
Other names: short protein forms R1064H.
Identifiers: ClinVar variation 1804206 (VCV001804206.9), dbSNP rs373183462, ClinGen allele CA7429725.

ClinVar aggregate classification (germline): Conflicting classifications of pathogenicity. Review status: criteria provided, conflicting classifications (1 of 4 stars). 4 submissions from 4 submitters: Uncertain significance (3); Likely benign (1). Last evaluated 2025-02-06.

Conditions:
MAGEL2-related disorder. Also called: MAGEL2-related condition.
Inborn genetic diseases. Identifiers: MedGen C0950123, MeSH D030342.

Allele frequency attached by ClinVar (database versions not stated): TOPMed 0.00002; gnomAD 0.00004; ExAC 0.00009; 1000 Genomes Project 30x 0.00031; 1000 Genomes Project 0.00040.

Submissions (4):

PreventionGenetics, part of Exact Sciences
Classification: Uncertain significance for MAGEL2-related condition. Last evaluated: 2025-02-06. Review status: criteria provided, single submitter. Criteria: ACMG Guidelines, 2015. Collection method: clinical testing. Allele origin: germline.
Comment: The MAGEL2 c.3191G>A variant is predicted to result in the amino acid substitution p.Arg1064His. To our knowledge, this variant has not been reported in the literature. This variant is reported in 0.051% of alleles in individuals of East Asian descent in gnomAD, which is likely too common for an undocumented disease-causing variant. Although we suspect that this variant may be benign, at this time, the clinical significance of this variant is uncertain due to the absence of conclusive functional and genetic evidence.

Labcorp Genetics (formerly Invitae), Labcorp
Classification: Uncertain significance. Last evaluated: 2024-08-15. Review status: criteria provided, single submitter. Criteria: Invitae Variant Classification Sherloc (09022015). Collection method: clinical testing. Allele origin: germline.
Comment: This sequence change replaces arginine, which is basic and polar, with histidine, which is basic and polar, at codon 1064 of the MAGEL2 protein (p.Arg1064His). This variant is present in population databases (rs373183462, gnomAD 0.05%), and has an allele count higher than expected for a pathogenic variant. This variant has not been reported in the literature in individuals affected with MAGEL2-related conditions. ClinVar contains an entry for this variant (Variation ID: 1804206). Invitae Evidence Modeling of protein sequence and biophysical properties (such as structural, functional, and spatial information, amino acid conservation, physicochemical variation, residue mobility, and thermodynamic stability) indicates that this missense variant is not expected to disrupt MAGEL2 protein function with a negative predictive value of 80%. In summary, the available evidence is currently insufficient to determine the role of this variant in disease. Therefore, it has been classified as a Variant of Uncertain Significance.

Ambry Genetics
Classification: Likely benign for Inborn genetic diseases. Last evaluated: 2024-02-21. Review status: criteria provided, single submitter. Criteria: Ambry Variant Classification Scheme 2023. Collection method: clinical testing. Allele origin: germline.

GeneDx
Classification: Uncertain significance. Last evaluated: 2022-06-14. Review status: criteria provided, single submitter. Criteria: GeneDx Variant Classification Process June 2021. Collection method: clinical testing. Allele origin: germline. Affected: yes.
Comment: In silico analysis supports that this missense variant has a deleterious effect on protein structure/function; Has not been previously published as pathogenic or benign to our knowledge